The following is an entry in ClinVar:

ClinVar aggregate classification (germline): Uncertain significance (1 of 4 stars; one submission).

Conditions:
Familial thoracic aortic aneurysm and aortic dissection (TAAD). Also called: Thoracic aortic aneurysms and dissections. Identifiers: Orphanet 91387, MedGen C4707243, MONDO:0019625.

Submission:

Ambry Genetics
Classification: Uncertain significance for Familial thoracic aortic aneurysm and aortic dissection. Last evaluated: 2015-06-22. Review status: criteria provided, single submitter. Criteria: Ambry Variant Classification Scheme 2023. Collection method: clinical testing. Allele origin: germline.
Comment: The p.E197D variant (also known as c.591G>T), located in coding exon 5 of the ACTA2 gene, results from a G to T substitution at nucleotide position 591. The glutamic acid at codon 197 is replaced by aspartic acid, an amino acid with highly similar properties. This amino acid position is highly conserved in available vertebrate species. In addition, this alteration is predicted to be deleterious by in silico analysis. Since supporting evidence is limited at this time, the clinical significance of this alteration remains unclear.

NM_001613.4(ACTA2):c.591G>T (p.Glu197Asp)

Gene: ACTA2 (actin alpha 2, smooth muscle; minus strand). Cytogenetic location: 10q23.31.
Variant type: single nucleotide variant.
Coding change: c.591G>T on transcript NM_001613.4 (MANE Select); coding-DNA position 591, G replaced by T.
Protein change: p.Glu197Asp; replaces glutamic acid 197 with aspartic acid.
Molecular consequence: missense variant.
Genome position (GRCh38, 1-based): chr10:88,941,254, C>A on the plus strand (G>T on the coding strand, the complement: ACTA2 is on the minus strand). VCF-style: chr10-88941254-C-A. GRCh37 (hg19) VCF-style: chr10-90701011-C-A.
Other names: c.591G>T, p.Glu197Asp (NM_001141945.3, NM_001320855.2, NM_001406462.1 and 3 more transcripts); c.480G>T, p.Glu160Asp (NM_001406466.1); c.462G>T, p.Glu154Asp (NM_001406467.1, NM_001406468.1, NM_001406469.1); short protein forms E197D, E154D, E160D.
Identifiers: ClinVar variation 264095 (VCV000264095.7), dbSNP rs886038487, ClinGen allele CA10587712.